The following is an entry in ClinVar:

ClinVar aggregate classification (germline): Likely pathogenic. Review status: criteria provided, multiple submitters, no conflicts (2 of 4 stars). 4 submissions from 4 submitters: Likely pathogenic (3). 1 of the submissions does not count toward it. Last evaluated 2024-12-02.

Conditions:
Hereditary cancer-predisposing syndrome. Also called: Hereditary Cancer Syndrome; Hereditary neoplastic syndrome; Tumor predisposition; Neoplastic Syndromes, Hereditary. Identifiers: Orphanet 140162, MedGen C0027672, MeSH D009386, MONDO:0015356.
Fanconi anemia (FA). Also called: Fanconi's anemia. Identifiers: Orphanet 84, MedGen C0015625, MeSH D005199, MONDO:0019391.
Fanconi anemia complementation group C (FANCC). Also called: FANCC-Related Fanconi Anemia; FANCONI PANCYTOPENIA, TYPE 3; FACC; Fanconi anemia, group C. Identifiers: Orphanet 84, MedGen C3468041, MONDO:0009213, OMIM 227645.

Submissions (4):

Ambry Genetics
Classification: Likely pathogenic for Hereditary cancer-predisposing syndrome. Last evaluated: 2024-12-02. Review status: criteria provided, single submitter. Criteria: Ambry Variant Classification Scheme 2023. Collection method: clinical testing. Allele origin: germline.
Comment: The c.165+1delG intronic variant results from a deletion of one nucleotide within intron 1 of the FANCC gene. This variant is considered to be rare based on population cohorts in the Genome Aggregation Database (gnomAD). This nucleotide position is well conserved in available vertebrate species. In silico splice site analysis predicts that this alteration will weaken the native splice donor site and will result in the creation or strengthening of a novel splice donor site. Alterations that disrupt the canonical splice site are expected to cause aberrant splicing, resulting in an abnormal protein or a transcript that is subject to nonsense-mediated mRNA decay. As such, this alteration is classified as likely pathogenic.

Baylor Genetics
Classification: Likely pathogenic for Fanconi anemia complementation group C. Last evaluated: 2023-11-30. Review status: criteria provided, single submitter. Criteria: ACMG Guidelines, 2015. Collection method: clinical testing. Allele origin: unknown.

Labcorp Genetics (formerly Invitae), Labcorp
Classification: Likely pathogenic for Fanconi anemia. Last evaluated: 2022-03-12. Review status: criteria provided, single submitter. Criteria: Invitae Variant Classification Sherloc (09022015). Collection method: clinical testing. Allele origin: germline.
Comment: In summary, the currently available evidence indicates that the variant is pathogenic, but additional data are needed to prove that conclusively. Therefore, this variant has been classified as Likely Pathogenic. Algorithms developed to predict the effect of sequence changes on RNA splicing suggest that this variant may disrupt the consensus splice site. ClinVar contains an entry for this variant (Variation ID: 555724). This variant has not been reported in the literature in individuals affected with FANCC-related conditions. This variant is not present in population databases (gnomAD no frequency). This sequence change affects a splice site in intron 2 of the FANCC gene. It is expected to disrupt RNA splicing. Variants that disrupt the donor or acceptor splice site typically lead to a loss of protein function (PMID: 16199547), and loss-of-function variants in FANCC are known to be pathogenic (PMID: 17924555).

Counsyl
Classification: Likely pathogenic for Fanconi anemia complementation group C. Last evaluated: 2017-12-19. Review status: no assertion criteria provided. Collection method: clinical testing. Allele origin: unknown. Not counted in ClinVar's aggregate classification.

Literature cited by the submitters: PubMed 16199547 (cited by Labcorp Genetics (formerly Invitae), Labcorp); PubMed 17924555 (cited by Labcorp Genetics (formerly Invitae), Labcorp).

NM_000136.3(FANCC):c.165+1del

Gene: FANCC (FA complementation group C; minus strand). Cytogenetic location: 9q22.32.
Variant type: Deletion.
Coding change: c.165+1del on transcript NM_000136.3 (MANE Select); the canonical splice donor site of the intron after coding-DNA position 165, one base deleted (G; older notation c.165+1delG).
Molecular consequence: splice donor variant.
Genome position (GRCh38, 1-based): chr9:95,249,126, C deleted on the plus strand (G on the coding strand, the reverse complement: FANCC is on the minus strand); the first of 2 consecutive C bases (chr9:95,249,126-95,249,127); deleting either gives the same sequence. VCF-style (leftmost placement, unchanged base first): chr9-95249125-AC-A. GRCh37 (hg19) VCF-style: chr9-98011407-AC-A.
Other names: c.165+1del (NM_001243743.2, NM_001243744.2); c.165+1delG (NM_000136.2).
Identifiers: ClinVar variation 555724 (VCV000555724.9), dbSNP rs1554858249, ClinGen allele CA658821266.